The following is an entry in ClinVar:

NM_024996.7(GFM1):c.928T>G (p.Leu310Val)

Gene: GFM1 (G elongation factor mitochondrial 1; plus strand). Cytogenetic location: 3q25.32.
Variant type: single nucleotide variant.
Coding change: c.928T>G on transcript NM_024996.7 (MANE Select); coding-DNA position 928, T replaced by G.
Protein change: p.Leu310Val; replaces leucine 310 with valine.
Molecular consequence: missense variant. On other transcripts: non-coding transcript variant (4).
Genome position (GRCh38, 1-based): chr3:158,653,397, T>G. VCF-style: chr3-158653397-T-G. GRCh37 (hg19) VCF-style: chr3-158371186-T-G.
Other names: c.985T>G, p.Leu329Val (NM_001308164.2, NM_001374355.1); c.928T>G, p.Leu310Val (NM_001308166.2); c.811T>G, p.Leu271Val (NM_001374356.1); c.703T>G, p.Leu235Val (NM_001374357.1); c.469T>G, p.Leu157Val (NM_001374358.1); c.361T>G, p.Leu121Val (NM_001374359.1, NM_001374360.1); c.244T>G, p.Leu82Val (NM_001374361.1); c.928T>G (NM_024996.5); short protein forms L271V, L329V, L235V, L121V, L157V, L310V, L82V.
Identifiers: ClinVar variation 1444866 (VCV001444866.6), dbSNP rs1188969241, ClinGen allele CA355177116.

ClinVar aggregate classification (germline): Uncertain significance. Review status: criteria provided, multiple submitters, no conflicts (2 of 4 stars). 2 submissions from 2 submitters: Uncertain significance (2). Last evaluated 2025-03-11.

Conditions:
Inborn genetic diseases. Identifiers: MedGen C0950123, MeSH D030342.

Submissions (2):

Ambry Genetics
Classification: Uncertain significance for Inborn genetic diseases. Last evaluated: 2025-03-11. Review status: criteria provided, single submitter. Criteria: Ambry Variant Classification Scheme 2023. Collection method: clinical testing. Allele origin: germline.

Labcorp Genetics (formerly Invitae), Labcorp
Classification: Uncertain significance. Last evaluated: 2021-09-30. Review status: criteria provided, single submitter. Criteria: Invitae Variant Classification Sherloc (09022015). Collection method: clinical testing. Allele origin: germline.
Comment: This sequence change replaces leucine with valine at codon 310 of the GFM1 protein (p.Leu310Val). The leucine residue is highly conserved and there is a small physicochemical difference between leucine and valine. This variant is not present in population databases (ExAC no frequency). This variant has not been reported in the literature in individuals with GFM1-related conditions. Algorithms developed to predict the effect of missense changes on protein structure and function are either unavailable or do not agree on the potential impact of this missense change (SIFT: "Deleterious"; PolyPhen-2: "Probably Damaging"; Align-GVGD: "Class C15"). In summary, the available evidence is currently insufficient to determine the role of this variant in disease. Therefore, it has been classified as a Variant of Uncertain Significance.